The following is an entry in ClinVar:

ClinVar aggregate classification (germline): Benign (1 of 4 stars; one submission).

Conditions:
Cystic fibrosis (CF). Also called: MUCOVISCIDOSIS. Identifiers: Orphanet 586, MedGen C0010674, MONDO:0009061, OMIM 219700. Disease mechanism: loss of function.

Allele frequency attached by ClinVar (database versions not stated): TOPMed 0.00001; gnomAD 0.00001.
gnomAD v4.1: 2 of 152,166 alleles (0.0013%); highest among the groups gnomAD compares: Non-Finnish European, 0.0029%; no homozygotes.

Submission:

CFTR-France
Classification: Benign for cystic fibrosis. Last evaluated: 2018-01-29. Review status: criteria provided, single submitter. Criteria: Claustres M et al. (Hum Mutat 2017). Collection method: curation. Allele origin: germline. Affected: no.
Comment: the variant does not result in CFTR-RD neither

NM_000492.4(CFTR):c.53+3158A>G

Gene: CFTR (CF transmembrane conductance regulator; plus strand). Cytogenetic location: 7q31.2.
Variant type: single nucleotide variant.
Coding change: c.53+3158A>G on transcript NM_000492.4 (MANE Select); 3158 bases into the intron after coding-DNA position 53, A replaced by G.
Molecular consequence: intron variant.
Genome position (GRCh38, 1-based): chr7:117,483,305, A>G. VCF-style: chr7-117483305-A-G. GRCh37 (hg19) VCF-style: chr7-117123359-A-G.
Identifiers: ClinVar variation 818112 (VCV000818112.1), dbSNP rs1264197967, ClinGen allele CA577212575.